The following is an entry in ClinVar:

ClinVar aggregate classification (germline): Uncertain significance (1 of 4 stars; one submission).

Submission:

Ambry Genetics
Classification: Uncertain significance. Last evaluated: 2024-05-26. Review status: criteria provided, single submitter. Criteria: Ambry Variant Classification Scheme 2023. Collection method: clinical testing. Allele origin: germline.
Comment: The p.P1072R variant (also known as c.3215C>G), located in coding exon 17 of the NPAT gene, results from a C to G substitution at nucleotide position 3215. The proline at codon 1072 is replaced by arginine, an amino acid with dissimilar properties. This amino acid position is conserved. In addition, this alteration is predicted to be tolerated by in silico analysis. Based on the available evidence, the clinical significance of this variant remains unclear.

NM_002519.3(NPAT):c.3215C>G (p.Pro1072Arg)

Gene: NPAT (nuclear protein, coactivator of histone transcription; minus strand). Cytogenetic location: 11q22.3.
Variant type: single nucleotide variant.
Coding change: c.3215C>G on transcript NM_002519.3 (MANE Select); coding-DNA position 3215, C replaced by G.
Protein change: p.Pro1072Arg; replaces proline 1072 with arginine.
Molecular consequence: missense variant.
Genome position (GRCh38, 1-based): chr11:108,161,871, G>C on the plus strand (C>G on the coding strand, the complement: NPAT is on the minus strand). VCF-style: chr11-108161871-G-C. GRCh37 (hg19) VCF-style: chr11-108032598-G-C.
Other names: c.3236C>G, p.Pro1079Arg (NM_001321307.1); short protein forms P1079R, P1072R.
Identifiers: ClinVar variation 3300702 (VCV003300702.1).